The following is an entry in ClinVar:

NM_017837.4(PIGV):c.479C>T (p.Ala160Val)

Gene: PIGV (phosphatidylinositol glycan anchor biosynthesis class V; plus strand). Cytogenetic location: 1p36.11.
Variant type: single nucleotide variant.
Coding change: c.479C>T on transcript NM_017837.4 (MANE Select); coding-DNA position 479, C replaced by T.
Protein change: p.Ala160Val; replaces alanine 160 with valine.
Molecular consequence: missense variant. On other transcripts: non-coding transcript variant (1), intron variant (3).
Genome position (GRCh38, 1-based): chr1:26,794,513, C>T. VCF-style: chr1-26794513-C-T. GRCh37 (hg19) VCF-style: chr1-27121004-C-T.
Other names: c.479C>T, p.Ala160Val (NM_001202554.2, NM_001374478.1, NM_001374480.1 and 2 more transcripts); c.98C>T, p.Ala33Val (NM_001374483.1); c.172+307C>T (NM_001374484.1, NM_001374485.1); c.79-3050C>T (NM_001374486.1); short protein forms A160V, A33V.
Identifiers: ClinVar variation 1359985 (VCV001359985.6), dbSNP rs2124194794, ClinGen allele CA339199836.

ClinVar aggregate classification (germline): Uncertain significance (1 of 4 stars; one submission).

Submission:

Labcorp Genetics (formerly Invitae), Labcorp
Classification: Uncertain significance. Last evaluated: 2022-03-19. Review status: criteria provided, single submitter. Criteria: Invitae Variant Classification Sherloc (09022015). Collection method: clinical testing. Allele origin: germline.
Comment: This variant has not been reported in the literature in individuals affected with PIGV-related conditions. Algorithms developed to predict the effect of missense changes on protein structure and function (SIFT, PolyPhen-2, Align-GVGD) all suggest that this variant is likely to be disruptive. In summary, the available evidence is currently insufficient to determine the role of this variant in disease. Therefore, it has been classified as a Variant of Uncertain Significance. This variant is not present in population databases (gnomAD no frequency). This sequence change replaces alanine, which is neutral and non-polar, with valine, which is neutral and non-polar, at codon 160 of the PIGV protein (p.Ala160Val).